The following is an entry in ClinVar:

NM_020435.4(GJC2):c.591dup (p.His198fs)

Gene: GJC2 (gap junction protein gamma 2; plus strand). Cytogenetic location: 1q42.13.
Variant type: Duplication.
Coding change: c.591dup on transcript NM_020435.4 (MANE Select); coding-DNA position 591, one base duplicated (A; older notation c.591dupA).
Protein change: p.His198fs; shifts the reading frame from histidine 198.
Molecular consequence: frameshift variant.
Genome position (GRCh38, 1-based): chr1:228,158,349, A duplicated; the last of 2 consecutive A bases (chr1:228,158,348-228,158,349); duplicating either gives the same sequence. VCF-style (leftmost placement, unchanged base first): chr1-228158347-C-CA. GRCh37 (hg19) VCF-style: chr1-228346048-C-CA.
Other names: c.591dupA (NM_020435.3); short protein forms H198fs.
Identifiers: ClinVar variation 635342 (VCV000635342.5), dbSNP rs1455411788, ClinGen allele CA732478665.

ClinVar aggregate classification (germline): Pathogenic/Likely pathogenic. Review status: criteria provided, multiple submitters, no conflicts (2 of 4 stars). 2 submissions from 2 submitters: Pathogenic (1); Likely pathogenic (1). Last evaluated 2022-02-24.

Conditions:
Spastic paraplegia. Identifiers: MedGen C0037772, HP:0001258.
Pelizaeus-Merzbacher disease. Also called: Sudanophilic leukodystrophy; LEUKODYSTROPHY, HYPOMYELINATING, 1; Pelizeaus-Merzbacher spectrum disorder; Pelizaeus-Merzbacher spectrum disorder; Pelizaeus-Merzbacher Disease (PMD). Identifiers: Orphanet 702, MedGen C0205711, MONDO:0010714, OMIM 312080, HP:0003269.

Submissions (2):

Labcorp Genetics (formerly Invitae), Labcorp
Classification: Pathogenic for Spastic paraplegia. Last evaluated: 2022-02-24. Review status: criteria provided, single submitter. Criteria: Invitae Variant Classification Sherloc (09022015). Collection method: clinical testing. Allele origin: germline.
Comment: This sequence change creates a premature translational stop signal (p.His198Thrfs*66) in the GJC2 gene. While this is not anticipated to result in nonsense mediated decay, it is expected to disrupt the last 242 amino acid(s) of the GJC2 protein. For these reasons, this variant has been classified as Pathogenic. This variant disrupts a region of the GJC2 protein in which other variant(s) (p.Arg240*) have been determined to be pathogenic (PMID: 15192806; Invitae). This suggests that this is a clinically significant region of the protein, and that variants that disrupt it are likely to be disease-causing. ClinVar contains an entry for this variant (Variation ID: 635342). This premature translational stop signal has been observed in individual(s) with Pelizaeus-Merzbacher disease (PMID: 31319225). This variant is not present in population databases (gnomAD no frequency).

Ege University Pediatric Genetics, Ege University
Classification: Likely pathogenic for Pelizaeus-Merzbacher disease. Last evaluated: 2019-05-15. Review status: criteria provided, single submitter. Criteria: ACMG Guidelines, 2015. Collection method: clinical testing. Allele origin: germline. Affected: yes.

Literature cited by the submitters: PubMed 15192806 (cited by Labcorp Genetics (formerly Invitae), Labcorp); PubMed 31319225 (cited by Labcorp Genetics (formerly Invitae), Labcorp and Ege University Pediatric Genetics, Ege University).